The following is an entry in ClinVar:

NM_004297.4(GNA14):c.979G>A (p.Ala327Thr)

Gene: GNA14 (G protein subunit alpha 14; minus strand). Cytogenetic location: 9q21.2.
Variant type: single nucleotide variant.
Coding change: c.979G>A on transcript NM_004297.4 (MANE Select); coding-DNA position 979, G replaced by A.
Protein change: p.Ala327Thr; replaces alanine 327 with threonine.
Molecular consequence: missense variant.
Genome position (GRCh38, 1-based): chr9:77,424,068, C>T on the plus strand (G>A on the coding strand, the complement: GNA14 is on the minus strand). VCF-style: chr9-77424068-C-T. GRCh37 (hg19) VCF-style: chr9-80038984-C-T.
Other names: short protein forms A327T.
Identifiers: ClinVar variation 4974654 (VCV004974654.1).
Genomic context (GRCh38, chr9:77,424,068, plus strand): 5'-GCTGTAGAATTGTGTCTTTGACAGCAGCAAACACAAAGCGAATATTGTCTGTATCTGTAG[C>T]ACATGTGAAGTGAGAGTAGATGACTTTCTCTTTGTCAGGATTCTGATCTTGGTAAAGCTT-3'
Protein context (NP_004288.1, residues 317-337): EKVIYSHFTC[Ala327Thr]TDTDNIRFVF

ClinVar aggregate classification (germline): Uncertain significance (1 of 4 stars; one submission).

gnomAD v4.1: 25 of 1,612,100 alleles (0.0016%); highest among the groups gnomAD compares: Middle Eastern, 0.016%; no homozygotes.

Submission:

Clinical Genomics Laboratory, Washington University in St. Louis
Classification: Uncertain significance. Last evaluated: 2026-05-07. Review status: criteria provided, single submitter. Criteria: ACMG Guidelines, 2015. Collection method: clinical testing. Allele origin: germline.
Comment: A GNA14 c.979G>A (p.Ala327Thr) variant was identified at a near heterozygous allelic fraction of 48.2%, a frequency that may be consistent with germline origin. This variant, to our knowledge, has not been reported in the medical literature or the ClinVar database. It is observed on 25/1,612,100 alleles in the general population (gnomAD v4.1.1). Computational predictors indicate that the variant is damaging, evidence that correlates with the impact on GNA14 function. Due to limited information, and based on ACMG/AMP guidelines for variant interpretation (Richards S et al., PMID: 25741868), the clinical significance of this variant is uncertain at this time.